The following is an entry in ClinVar:

NM_001099274.3(TINF2):c.1250A>C (p.Lys417Thr)

Gene: TINF2 (TERF1 interacting nuclear factor 2; minus strand). Cytogenetic location: 14q12.
Variant type: single nucleotide variant.
Coding change: c.1250A>C on transcript NM_001099274.3 (MANE Select); coding-DNA position 1250, A replaced by C.
Protein change: p.Lys417Thr; replaces lysine 417 with threonine.
Molecular consequence: missense variant. On other transcripts: 3 prime UTR variant (1).
Genome position (GRCh38, 1-based): chr14:24,239,903, T>G on the plus strand (A>C on the coding strand, the complement: TINF2 is on the minus strand). VCF-style: chr14-24239903-T-G. GRCh37 (hg19) VCF-style: chr14-24709109-T-G.
Other names: c.1145A>C, p.Lys382Thr (NM_001363668.2); c.*512A>C (NM_012461.3); short protein forms K417T, K382T.
Identifiers: ClinVar variation 2913147 (VCV002913147.3), dbSNP rs1352189057, ClinGen allele CA389220097.

ClinVar aggregate classification (germline): Uncertain significance (1 of 4 stars; one submission).

Conditions:
Dyskeratosis congenita. Identifiers: Orphanet 1775, MedGen C0265965, MONDO:0015780.

Allele frequency attached by ClinVar (database versions not stated): gnomAD exomes below 0.00001.
gnomAD v4.1: 3 of 1,614,138 alleles (0.00019%); highest among the groups gnomAD compares: Non-Finnish European, 0.00025%; no homozygotes.

Submission:

Labcorp Genetics (formerly Invitae), Labcorp
Classification: Uncertain significance for Dyskeratosis congenita. Last evaluated: 2023-02-13. Review status: criteria provided, single submitter. Criteria: Invitae Variant Classification Sherloc (09022015). Collection method: clinical testing. Allele origin: germline.
Comment: In summary, the available evidence is currently insufficient to determine the role of this variant in disease. Therefore, it has been classified as a Variant of Uncertain Significance. Algorithms developed to predict the effect of sequence changes on RNA splicing suggest that this variant may create or strengthen a splice site. Algorithms developed to predict the effect of missense changes on protein structure and function are either unavailable or do not agree on the potential impact of this missense change (SIFT: "Tolerated"; PolyPhen-2: "Possibly Damaging"; Align-GVGD: "Class C0"). This variant has not been reported in the literature in individuals affected with TINF2-related conditions. This variant is present in population databases (no rsID available, gnomAD 0.0009%). This sequence change replaces lysine, which is basic and polar, with threonine, which is neutral and polar, at codon 417 of the TINF2 protein (p.Lys417Thr).